The following is an entry in ClinVar:

ClinVar aggregate classification (germline): Conflicting classifications of pathogenicity. Review status: criteria provided, conflicting classifications (1 of 4 stars). 5 submissions from 5 submitters: Uncertain significance (1); Likely benign (2). 2 of the submissions do not count toward it. Last evaluated 2026-01-28.

Conditions:
HPS3-related disorder. Also called: HPS3-related condition.
Hermansky-Pudlak syndrome (HPS). Also called: ALBINISM WITH HEMORRHAGIC DIATHESIS AND PIGMENTED RETICULOENDOTHELIAL CELLS. Identifiers: Orphanet 79430, MedGen C0079504, MONDO:0019312.
Hermansky-Pudlak syndrome 3 (HPS3). Identifiers: Orphanet 231512, Orphanet 79430, MedGen C3888001, MONDO:0013555, OMIM 614072.

Allele frequency attached by ClinVar (database versions not stated): TOPMed 0.00026; gnomAD exomes 0.00031 and 0.00045; gnomAD 0.00014 and 0.00025; ExAC 0.00058; 1000 Genomes Project 30x 0.00109; 1000 Genomes Project 0.00140.
gnomAD v4.1: 486 of 1,613,710 alleles (0.03%); highest among the groups gnomAD compares: East Asian, 0.93%; 2 homozygotes.

Submissions (5):

Labcorp Genetics (formerly Invitae), Labcorp
Classification: Likely benign. Last evaluated: 2026-01-28. Review status: criteria provided, single submitter. Criteria: Invitae Variant Classification Sherloc (09022015). Collection method: clinical testing. Allele origin: germline.

Illumina Laboratory Services, Illumina
Classification: Likely benign for Hermansky-Pudlak syndrome 3. Last evaluated: 2018-01-12. Review status: criteria provided, single submitter. Criteria: ICSL Variant Classification Criteria 13 December 2019. Collection method: clinical testing. Allele origin: germline.
Comment: This variant was observed in the ICSL laboratory as part of a predisposition screen in an ostensibly healthy population. It had not been previously curated by ICSL or reported in the Human Gene Mutation Database (HGMD: prior to June 1st, 2018), and was therefore a candidate for classification through an automated scoring system. Utilizing variant allele frequency, disease prevalence and penetrance estimates, and inheritance mode, an automated score was calculated to assess if this variant is too frequent to cause the disease. Based on the score and internal cut-off values, a variant classified as likely benign is not then subjected to further curation. The score for this variant resulted in a classification of likely benign for this disease.

Genetic Services Laboratory, University of Chicago
Classification: Uncertain significance. Last evaluated: 2017-11-13. Review status: criteria provided, single submitter. Criteria: ACMG Guidelines, 2015. Collection method: clinical testing. Allele origin: germline. Affected: no.

PreventionGenetics, part of Exact Sciences
Classification: Likely benign for HPS3-related condition. Last evaluated: 2021-03-31. Review status: no assertion criteria provided. Collection method: clinical testing. Allele origin: germline. Not counted in ClinVar's aggregate classification.
Comment: This variant is classified as likely benign based on ACMG/AMP sequence variant interpretation guidelines (Richards et al. 2015 PMID: 25741868, with internal and published modifications).

Natera, Inc.
Classification: Likely benign for Hermansky-Pudlak syndrome. Last evaluated: 2020-06-04. Review status: no assertion criteria provided. Collection method: clinical testing. Allele origin: germline. Not counted in ClinVar's aggregate classification.

NM_032383.5(HPS3):c.1711C>T (p.His571Tyr)

Gene: HPS3 (HPS3 biogenesis of lysosomal organelles complex 2 subunit 1; plus strand). Cytogenetic location: 3q24.
Variant type: single nucleotide variant.
Coding change: c.1711C>T on transcript NM_032383.5 (MANE Select); coding-DNA position 1711, C replaced by T.
Protein change: p.His571Tyr; replaces histidine 571 with tyrosine.
Molecular consequence: missense variant.
Genome position (GRCh38, 1-based): chr3:149,158,685, C>T. VCF-style: chr3-149158685-C-T. GRCh37 (hg19) VCF-style: chr3-148876472-C-T.
Other names: c.1216C>T, p.His406Tyr (NM_001308258.2); short protein forms H571Y, H406Y.
Identifiers: ClinVar variation 343707 (VCV000343707.21), dbSNP rs142027515, ClinGen allele CA2660165.